The following is an entry in ClinVar:

ClinVar aggregate classification (germline): Uncertain significance (1 of 4 stars; one submission).

Conditions:
Immunodeficiency 104. Also called: IMMUNODEFICIENCY 104, SEVERE COMBINED; SCID, AUTOSOMAL RECESSIVE, T CELL-NEGATIVE, B CELL-POSITIVE, NK CELL-POSITIVE; Severe combined immunodeficiency, autosomal recessive, T cell-negative, B cell-positive, NK cell-positive; Severe Combined Immune Deficiency, Autosomal Recessive, TCell -Negative, B Cell-Positive, NK Cell-Positive, IL7R-Related. Identifiers: MedGen C5676890, MONDO:0012163, OMIM 608971.

Allele frequency attached by ClinVar (database versions not stated): gnomAD exomes below 0.00001.
gnomAD v4.1: 1 of 1,613,946 alleles (0.000062%); highest among the groups gnomAD compares: African/African-American, 0.0013%; no homozygotes.

Submission:

Labcorp Genetics (formerly Invitae), Labcorp
Classification: Uncertain significance for Immunodeficiency 104. Last evaluated: 2021-12-16. Review status: criteria provided, single submitter. Criteria: Invitae Variant Classification Sherloc (09022015). Collection method: clinical testing. Allele origin: germline.
Comment: This variant has not been reported in the literature in individuals affected with IL7R-related conditions. In summary, the available evidence is currently insufficient to determine the role of this variant in disease. Therefore, it has been classified as a Variant of Uncertain Significance. Advanced modeling of protein sequence and biophysical properties (such as structural, functional, and spatial information, amino acid conservation, physicochemical variation, residue mobility, and thermodynamic stability) performed at Invitae indicates that this missense variant is not expected to disrupt IL7R protein function. This variant is not present in population databases (gnomAD no frequency). This sequence change replaces aspartic acid, which is acidic and polar, with asparagine, which is neutral and polar, at codon 210 of the IL7R protein (p.Asp210Asn).

NM_002185.5(IL7R):c.628G>A (p.Asp210Asn)

Gene: IL7R (interleukin 7 receptor; plus strand). Cytogenetic location: 5p13.2.
Variant type: single nucleotide variant.
Coding change: c.628G>A on transcript NM_002185.5 (MANE Select); coding-DNA position 628, G replaced by A.
Protein change: p.Asp210Asn; replaces aspartic acid 210 with asparagine.
Molecular consequence: missense variant.
Genome position (GRCh38, 1-based): chr5:35,873,570, G>A. VCF-style: chr5-35873570-G-A. GRCh37 (hg19) VCF-style: chr5-35873672-G-A.
Other names: c.628G>A, p.Asp210Asn (NM_001410734.1); short protein forms D210N.
Identifiers: ClinVar variation 2044277 (VCV002044277.4), dbSNP rs2149903401, ClinGen allele CA359430802.